The following is an entry in ClinVar:

ClinVar aggregate classification (germline): Uncertain significance (1 of 4 stars; one submission).

Conditions:
Hypertrophic cardiomyopathy 26. Also called: Cardiomyopathy, familial hypertrophic, 26. Identifiers: Orphanet 75249, MedGen C4310749, MONDO:0014883, OMIM 617047.
Myofibrillar myopathy 5. Also called: Filaminopathy (type); FILAMINOPATHY, AUTOSOMAL DOMINANT. Identifiers: Orphanet 171445, MedGen C1836050, MONDO:0012289, OMIM 609524.
Distal myopathy with posterior leg and anterior hand involvement. Also called: WILLIAMS DISTAL MYOPATHY. Identifiers: Orphanet 63273, MedGen C3279722, MONDO:0013550, OMIM 614065.

Submission:

Labcorp Genetics (formerly Invitae), Labcorp
Classification: Uncertain significance for Distal myopathy with posterior leg and anterior hand involvement; Myofibrillar myopathy 5; Hypertrophic cardiomyopathy 26. Last evaluated: 2021-08-03. Review status: criteria provided, single submitter. Criteria: Invitae Variant Classification Sherloc (09022015). Collection method: clinical testing. Allele origin: germline.
Comment: In summary, the available evidence is currently insufficient to determine the role of this variant in disease. Therefore, it has been classified as a Variant of Uncertain Significance. Algorithms developed to predict the effect of missense changes on protein structure and function are either unavailable or do not agree on the potential impact of this missense change (SIFT: "Deleterious"; PolyPhen-2: "Probably Damaging"; Align-GVGD: "Class C0"). This variant has not been reported in the literature in individuals affected with FLNC-related conditions. This variant is not present in population databases (ExAC no frequency). This sequence change replaces isoleucine with methionine at codon 2038 of the FLNC protein (p.Ile2038Met). The isoleucine residue is highly conserved and there is a small physicochemical difference between isoleucine and methionine.

NM_001458.5(FLNC):c.6114C>G (p.Ile2038Met)

Genes: FLNC (filamin C; plus strand), FLNC-AS1 (FLNC antisense RNA 1; minus strand). Cytogenetic location: 7q32.1.
Variant type: single nucleotide variant.
Coding change: c.6114C>G on transcript NM_001458.5 (MANE Select); coding-DNA position 6114, C replaced by G.
Protein change: p.Ile2038Met; replaces isoleucine 2038 with methionine.
Molecular consequence: missense variant.
Genome position (GRCh38, 1-based): chr7:128,852,937, C>G. VCF-style: chr7-128852937-C-G. GRCh37 (hg19) VCF-style: chr7-128492991-C-G.
Other names: c.6015C>G, p.Ile2005Met (NM_001127487.2); short protein forms I2038M, I2005M.
Identifiers: ClinVar variation 1447193 (VCV001447193.6), dbSNP rs559639511, ClinGen allele CA369211272.